The following is an entry in ClinVar:

NM_020771.4(HACE1):c.2390T>C (p.Ile797Thr)

Gene: HACE1 (HECT domain and ankyrin repeat containing E3 ubiquitin protein ligase 1; minus strand). Cytogenetic location: 6q16.3.
Variant type: single nucleotide variant.
Coding change: c.2390T>C on transcript NM_020771.4 (MANE Select); coding-DNA position 2390, T replaced by C.
Protein change: p.Ile797Thr; replaces isoleucine 797 with threonine.
Molecular consequence: missense variant. On other transcripts: non-coding transcript variant (7).
Genome position (GRCh38, 1-based): chr6:104,744,564, A>G on the plus strand (T>C on the coding strand, the complement: HACE1 is on the minus strand). VCF-style: chr6-104744564-A-G. GRCh37 (hg19) VCF-style: chr6-105192439-A-G.
Other names: c.2258T>C, p.Ile753Thr (NM_001321080.2); c.2288T>C, p.Ile763Thr (NM_001321083.2); c.1886T>C, p.Ile629Thr (NM_001321084.2, NM_001350557.2, NM_001350558.2); c.2156T>C, p.Ile719Thr (NM_001350554.2); c.2099T>C, p.Ile700Thr (NM_001350555.2); c.1904T>C, p.Ile635Thr (NM_001350556.2); c.1808T>C, p.Ile603Thr (NM_001350559.2); c.1607T>C, p.Ile536Thr (NM_001350560.2); short protein forms I603T, I635T, I797T, I629T, I763T, I700T, I719T, I753T.
Identifiers: ClinVar variation 1895636 (VCV001895636.5), dbSNP rs761297846, ClinGen allele CA3940018.

ClinVar aggregate classification (germline): Uncertain significance (1 of 4 stars; one submission).

Allele frequency attached by ClinVar (database versions not stated): gnomAD exomes below 0.00001; ExAC 0.00001.
gnomAD v4.1: 2 of 1,607,056 alleles (0.00012%); highest among the groups gnomAD compares: Non-Finnish European, 0.00017%; no homozygotes.

Submission:

Labcorp Genetics (formerly Invitae), Labcorp
Classification: Uncertain significance. Last evaluated: 2022-05-05. Review status: criteria provided, single submitter. Criteria: Invitae Variant Classification Sherloc (09022015). Collection method: clinical testing. Allele origin: germline.
Comment: In summary, the available evidence is currently insufficient to determine the role of this variant in disease. Therefore, it has been classified as a Variant of Uncertain Significance. Algorithms developed to predict the effect of missense changes on protein structure and function are either unavailable or do not agree on the potential impact of this missense change (SIFT: "Deleterious"; PolyPhen-2: "Benign"; Align-GVGD: "Class C0"). This variant has not been reported in the literature in individuals affected with HACE1-related conditions. This variant is present in population databases (rs761297846, gnomAD 0.0009%). This sequence change replaces isoleucine, which is neutral and non-polar, with threonine, which is neutral and polar, at codon 797 of the HACE1 protein (p.Ile797Thr).